The following is an entry in ClinVar:

ClinVar aggregate classification (germline): Uncertain significance (1 of 4 stars; one submission).

Submission:

Labcorp Genetics (formerly Invitae), Labcorp
Classification: Uncertain significance. Last evaluated: 2025-04-16. Review status: criteria provided, single submitter. Criteria: Invitae Variant Classification Sherloc (09022015). Collection method: clinical testing. Allele origin: germline.
Comment: This sequence change falls in intron 4 of the CNGA3 gene. It does not directly change the encoded amino acid sequence of the CNGA3 protein. It affects a nucleotide within the consensus splice site. This variant is not present in population databases (gnomAD no frequency). This variant has not been reported in the literature in individuals affected with CNGA3-related conditions. ClinVar contains an entry for this variant (Variation ID: 1414888). Variants that disrupt the consensus splice site are a relatively common cause of aberrant splicing (PMID: 17576681, 9536098). Algorithms developed to predict the effect of sequence changes on RNA splicing suggest that this variant is not likely to affect RNA splicing. In summary, the available evidence is currently insufficient to determine the role of this variant in disease. Therefore, it has been classified as a Variant of Uncertain Significance.

Literature cited by the submitters: PubMed 17576681; PubMed 9536098.

NM_001298.3(CNGA3):c.395+4A>G

Gene: CNGA3 (cyclic nucleotide gated channel subunit alpha 3; plus strand). Cytogenetic location: 2q11.2.
Variant type: single nucleotide variant.
Coding change: c.395+4A>G on transcript NM_001298.3 (MANE Select); 4 bases into the intron after coding-DNA position 395, A replaced by G.
Molecular consequence: intron variant.
Genome position (GRCh38, 1-based): chr2:98,380,358, A>G. VCF-style: chr2-98380358-A-G. GRCh37 (hg19) VCF-style: chr2-98996821-A-G.
Other names: c.395+4A>G (NM_001079878.2).
Identifiers: ClinVar variation 1414888 (VCV001414888.6), dbSNP rs1574378242, ClinGen allele CA1273412265.